The following is an entry in ClinVar:

ClinVar aggregate classification (germline): Uncertain significance (1 of 4 stars; one submission).

Conditions:
Multiple gastrointestinal atresias. Also called: Multiple intestinal atresia; FAMILIAL INTESTINAL POLYATRESIA SYNDROME. Identifiers: Orphanet 2300, MedGen C0220744, MONDO:0009465.

Allele frequency attached by ClinVar (database versions not stated): ExAC 0.00001; gnomAD 0.00001; TOPMed 0.00001; gnomAD exomes 0.00002.
gnomAD v4.1: 24 of 1,613,984 alleles (0.0015%); highest among the groups gnomAD compares: East Asian, 0.0045%; no homozygotes.

Submission:

Labcorp Genetics (formerly Invitae), Labcorp
Classification: Uncertain significance for Multiple gastrointestinal atresias. Last evaluated: 2022-07-17. Review status: criteria provided, single submitter. Criteria: Invitae Variant Classification Sherloc (09022015). Collection method: clinical testing. Allele origin: germline.
Comment: This sequence change replaces alanine, which is neutral and non-polar, with valine, which is neutral and non-polar, at codon 410 of the TTC7A protein (p.Ala410Val). This variant is present in population databases (rs771992889, gnomAD 0.007%). This variant has not been reported in the literature in individuals affected with TTC7A-related conditions. Algorithms developed to predict the effect of missense changes on protein structure and function are either unavailable or do not agree on the potential impact of this missense change (SIFT: "Deleterious"; PolyPhen-2: "Probably Damaging"; Align-GVGD: "Class C0"). In summary, the available evidence is currently insufficient to determine the role of this variant in disease. Therefore, it has been classified as a Variant of Uncertain Significance.

NM_020458.4(TTC7A):c.1229C>T (p.Ala410Val)

Gene: TTC7A (tetratricopeptide repeat domain 7A; plus strand). Cytogenetic location: 2p21.
Variant type: single nucleotide variant.
Coding change: c.1229C>T on transcript NM_020458.4 (MANE Select); coding-DNA position 1229, C replaced by T.
Protein change: p.Ala410Val; replaces alanine 410 with valine.
Molecular consequence: missense variant.
Genome position (GRCh38, 1-based): chr2:47,006,666, C>T. VCF-style: chr2-47006666-C-T. GRCh37 (hg19) VCF-style: chr2-47233805-C-T.
Other names: c.1229C>T, p.Ala410Val (NM_001288951.2); c.1127C>T, p.Ala376Val (NM_001288953.2); c.167C>T, p.Ala56Val (NM_001288955.2); short protein forms A56V, A376V, A410V.
Identifiers: ClinVar variation 1961801 (VCV001961801.2), dbSNP rs771992889, ClinGen allele CA1647571.
Genomic context (GRCh38, chr2:47,006,666, plus strand): 5'-CTGGTGGGTAAATGCTGACTATCTCCCCTCCCCAGTGCCTGGAGCGAGCCATGAAGTTTG[C>T]GTTTGGAGAATTTCACCTTTGGTACCAGGTGGCCCTCTCCATGGTGGCTTGTGGGAAGGT-3'
Protein context (NP_065191.2, residues 400-420): SECLERAMKF[Ala410Val]FGEFHLWYQV